The following is an entry in ClinVar:

ClinVar aggregate classification (germline): Pathogenic (0 of 4 stars; one submission).

Conditions:
Alkaptonuria (AKU). Also called: Alkaptonuric ochronosis; Homogentisic acidura; HOMOGENTISIC ACID OXIDASE DEFICIENCY; Alcaptonuria. Identifiers: Orphanet 56, MedGen C0002066, MONDO:0008753, OMIM 203500.

Submission:

Department Of Human Genetics, Institute Of Clinical And Translational Research, Biomedical Research Center, Slovak Academy Of Sciences
Classification: Pathogenic for Alkaptonuria. Review status: no assertion criteria provided. Collection method: research. Allele origin: germline. Inheritance: Autosomal recessive inheritance. Affected: yes. Observed: 1 variant allele.
Comment: The variant was originally described in PMID:19862842. It has been submitted to the HGD gene mutation database (DB-ID: AKU_00059).

Literature cited by the submitters: PubMed 19862842.

NM_000187.4(HGD):c.549+1G>A

Gene: HGD (homogentisate 1,2-dioxygenase; minus strand). Cytogenetic location: 3q13.33.
Variant type: single nucleotide variant.
Coding change: c.549+1G>A on transcript NM_000187.4 (MANE Select); the canonical splice donor site of the intron after coding-DNA position 549, G replaced by A.
Molecular consequence: splice donor variant.
Genome position (GRCh38, 1-based): chr3:120,646,972, C>T on the plus strand (G>A on the coding strand, the complement: HGD is on the minus strand). VCF-style: chr3-120646972-C-T. GRCh37 (hg19) VCF-style: chr3-120365819-C-T.
Identifiers: ClinVar variation 2584766 (VCV002584766.2), dbSNP rs1373462009, ClinGen allele CA354076887.
Genomic context (GRCh38, chr3:120,646,972, plus strand): 5'-AAACATCTGACTGCTCCCAAATTAGTGAGAGGCAGGGAAGAGAAGGGGACACATCACCAA[C>T]CTGAATGACGCAGATCTCATTGGGCTGTACAAGCATCTTGCCAAACTCGGTGTAAATGAG-3'